The following is an entry in ClinVar:

NM_004415.4(DSP):c.6010G>T (p.Val2004Phe)

Gene: DSP (desmoplakin; plus strand). Cytogenetic location: 6p24.3.
Variant type: single nucleotide variant.
Coding change: c.6010G>T on transcript NM_004415.4 (MANE Select); coding-DNA position 6010, G replaced by T.
Protein change: p.Val2004Phe; replaces valine 2004 with phenylalanine.
Molecular consequence: missense variant.
Genome position (GRCh38, 1-based): chr6:7,583,272, G>T. VCF-style: chr6-7583272-G-T. GRCh37 (hg19) VCF-style: chr6-7583505-G-T.
Other names: c.6010G>T (LRG_423t1); c.4213G>T, p.Val1405Phe (NM_001008844.3); c.4681G>T, p.Val1561Phe (NM_001319034.2); short protein forms V2004F, V1405F, V1561F.
Identifiers: ClinVar variation 465902 (VCV000465902.28), dbSNP rs764692193, ClinGen allele CA046586.

ClinVar aggregate classification (germline): Conflicting classifications of pathogenicity. Review status: criteria provided, conflicting classifications (1 of 4 stars). 5 submissions from 5 submitters: Uncertain significance (2); Benign (1); Likely benign (2). Last evaluated 2026-01-16.

Conditions:
Cardiovascular phenotype. Identifiers: MedGen CN230736.
Arrhythmogenic right ventricular dysplasia 8 (ARVD8). Also called: Arrhythmogenic Right Ventricular Dysplasia/Cardiomyopathy 8; ARRHYTHMOGENIC RIGHT VENTRICULAR DYSPLASIA, FAMILIAL, 8; ARRHYTHMOGENIC RIGHT VENTRICULAR CARDIOMYOPATHY 8. Identifiers: MedGen C1843896, MONDO:0011831, OMIM 607450.
Arrhythmogenic cardiomyopathy with wooly hair and keratoderma. Also called: Dilated cardiomyopathy with woolly hair and keratoderma; Arrhythmogenic cardiomyopathy with woolly hair and keratoderma; PALMOPLANTAR KERATODERMA WITH LEFT VENTRICULAR CARDIOMYOPATHY AND WOOLLY HAIR; Carvajal syndrome. Identifiers: Orphanet 65282, MedGen C1854063, MONDO:0011581, OMIM 605676.
Cardiomyopathy (CMYO). Also called: Cardiomyopathies. Identifiers: Orphanet 167848, MedGen C0878544, MONDO:0004994, HP:0001638. Inheritance: Various modes of inheritance.

Allele frequency attached by ClinVar (database versions not stated): ExAC 0.00001; gnomAD exomes 0.00002; gnomAD 0.00017 and 0.00019; TOPMed 0.00017.
gnomAD v4.1: 51 of 1,614,088 alleles (0.0032%); highest among the groups gnomAD compares: African/African-American, 0.063%; no homozygotes.

Submissions (5):

Labcorp Genetics (formerly Invitae), Labcorp
Classification: Benign for Arrhythmogenic cardiomyopathy with wooly hair and keratoderma; Arrhythmogenic right ventricular dysplasia 8. Last evaluated: 2026-01-16. Review status: criteria provided, single submitter. Criteria: Invitae Variant Classification Sherloc (09022015). Collection method: clinical testing. Allele origin: germline.

GeneDx
Classification: Uncertain significance. Last evaluated: 2025-03-14. Review status: criteria provided, single submitter. Criteria: GeneDx Variant Classification Process June 2021. Collection method: clinical testing. Allele origin: germline. Affected: yes.
Comment: Observed in an individual with sudden unexplained death who also harbored variants in other potentially clinically relevant genes (PMID: 31195250); In silico analysis supports that this missense variant has a deleterious effect on protein structure/function; This variant is associated with the following publications: (PMID: 31195250, 21636032)

Color Diagnostics, LLC DBA Color Health
Classification: Likely benign for Cardiomyopathy. Last evaluated: 2024-07-31. Review status: criteria provided, single submitter. Criteria: ACMG Guidelines, 2015. Collection method: clinical testing. Allele origin: germline.

Ambry Genetics
Classification: Uncertain significance for Cardiovascular phenotype. Last evaluated: 2024-03-02. Review status: criteria provided, single submitter. Criteria: Ambry Variant Classification Scheme 2023. Collection method: clinical testing. Allele origin: germline.
Comment: The p.V2004F variant (also known as c.6010G>T), located in coding exon 24 of the DSP gene, results from a G to T substitution at nucleotide position 6010. The valine at codon 2004 is replaced by phenylalanine, an amino acid with highly similar properties. This alteration has been detected in a sudden death case with co-occurring variants in cardiac-related genes, as well as in a control individual from a study of arrhythmogenic right ventricular dysplasia/cardiomyopathy (Kapplinger JD et al. J Am Coll Cardiol. 2011;57:2317-27; Gando I et al. Forensic Sci Int, 2019 Aug;301:289-298). This amino acid position is highly conserved in available vertebrate species. In addition, the in silico prediction for this alteration is inconclusive. Since supporting evidence is limited at this time, the clinical significance of this alteration remains unclear.

Laboratory for Molecular Medicine, Mass General Brigham Personalized Medicine
Classification: Likely benign. Last evaluated: 2018-06-14. Review status: criteria provided, single submitter. Criteria: LMM Criteria. Collection method: clinical testing. Allele origin: germline. Observed: 1 variant allele.
Comment: The p.Val2004Phe variant in DSP is classified as likely benign because it has be en identified in 0.06% (14/24022) of African chromosomes by the Genome Aggregati on Database (gnomAD). ACMG/AMP Criteria applie d: BS1.

Literature cited by the submitters: PubMed 21636032 (cited by Ambry Genetics); PubMed 31195250 (cited by Ambry Genetics).